The following is an entry in ClinVar:

NM_177400.3(NKX6-2):c.13C>T (p.Arg5Cys)

Gene: NKX6-2 (NK6 homeobox 2; minus strand). Cytogenetic location: 10q26.3.
Variant type: single nucleotide variant.
Coding change: c.13C>T on transcript NM_177400.3 (MANE Select); coding-DNA position 13, C replaced by T.
Protein change: p.Arg5Cys; replaces arginine 5 with cysteine.
Molecular consequence: missense variant.
Genome position (GRCh38, 1-based): chr10:132,785,936, G>A on the plus strand (C>T on the coding strand, the complement: NKX6-2 is on the minus strand). VCF-style: chr10-132785936-G-A. GRCh37 (hg19) VCF-style: chr10-134599440-G-A.
Other names: c.13C>T (NM_177400.2); short protein forms R5C.
Identifiers: ClinVar variation 1500267 (VCV001500267.9), dbSNP rs752427216, ClinGen allele CA5756174.
Genomic context (GRCh38, chr10:132,785,936, plus strand): 5'-TCTCGGCCATGTTGTGCAGCGCGGCCAGCGGGGCACTGCTCAGCACGAACGCGCCCGGGC[G>A]GTTAGTGTCCATGGGCGCCGCCGCCGCCGGCCCGGGCTCCCATCCGGGCCCCGCCGCCGC-3'
Protein context (NP_796374.2, residues 1-15): MDTN[Arg5Cys]PGAFVLSSAP

ClinVar aggregate classification (germline): Uncertain significance. Review status: criteria provided, multiple submitters, no conflicts (2 of 4 stars). 2 submissions from 2 submitters: Uncertain significance (2). Last evaluated 2025-12-16.

Conditions:
Inborn genetic diseases. Identifiers: MedGen C0950123, MeSH D030342.

Allele frequency attached by ClinVar (database versions not stated): gnomAD 0.00001; TOPMed 0.00005; gnomAD exomes 0.00007; ExAC 0.00011.

Submissions (2):

Ambry Genetics
Classification: Uncertain significance for Inborn genetic diseases. Last evaluated: 2025-12-16. Review status: criteria provided, single submitter. Criteria: Ambry Variant Classification Scheme 2023. Collection method: clinical testing. Allele origin: germline.

Labcorp Genetics (formerly Invitae), Labcorp
Classification: Uncertain significance. Last evaluated: 2024-01-22. Review status: criteria provided, single submitter. Criteria: Invitae Variant Classification Sherloc (09022015). Collection method: clinical testing. Allele origin: germline.
Comment: This sequence change replaces arginine, which is basic and polar, with cysteine, which is neutral and slightly polar, at codon 5 of the NKX6-2 protein (p.Arg5Cys). This variant is present in population databases (rs752427216, gnomAD 0.05%). This variant has not been reported in the literature in individuals affected with NKX6-2-related conditions. ClinVar contains an entry for this variant (Variation ID: 1500267). An algorithm developed to predict the effect of missense changes on protein structure and function (PolyPhen-2) suggests that this variant is likely to be disruptive. In summary, the available evidence is currently insufficient to determine the role of this variant in disease. Therefore, it has been classified as a Variant of Uncertain Significance.